The following is an entry in ClinVar:

ClinVar aggregate classification (germline): Pathogenic. Review status: criteria provided, multiple submitters, no conflicts (2 of 4 stars). 2 submissions from 2 submitters: Pathogenic (2). Last evaluated 2025-03-04.

Conditions:
Polycystic kidney disease, adult type (PKD1). Also called: POLYCYSTIC KIDNEY DISEASE 1 WITH OR WITHOUT POLYCYSTIC LIVER DISEASE; Polycystic Kidney Disease 1, Autosomal Dominant; Polycystic kidney disease 1; Polycystic kidney disease 1, severe; Polycystic Kidney, Autosomal Dominant; POLYCYSTIC KIDNEY DISEASE, ADULT, TYPE I. Identifiers: MedGen C3149841, MONDO:0008263, OMIM 173900.
Inborn genetic diseases. Identifiers: MedGen C0950123, MeSH D030342.

Submissions (2):

Women's Health and Genetics/Laboratory Corporation of America, LabCorp
Classification: Pathogenic for Polycystic kidney disease, adult type. Last evaluated: 2025-03-04. Review status: criteria provided, single submitter. Criteria: LabCorp Variant Classification Summary - May 2015. Collection method: clinical testing. Allele origin: germline.
Comment: Variant summary: PKD1 c.2414delG (p.Gly805AlafsX93) results in a premature termination codon, predicted to cause a truncation of the encoded protein or absence of the protein due to nonsense mediated decay, which are commonly known mechanisms for disease. The variant was absent in 194228 control chromosomes. To our knowledge, no occurrence of c.2414delG in individuals affected with Polycystic Kidney Disease 1 and no experimental evidence demonstrating its impact on protein function have been reported. ClinVar contains an entry for this variant (Variation ID: 2612189). Based on the evidence outlined above, the variant was classified as pathogenic.

Ambry Genetics
Classification: Pathogenic for Inborn genetic diseases. Last evaluated: 2023-07-20. Review status: criteria provided, single submitter. Criteria: Ambry Variant Classification Scheme 2023. Collection method: clinical testing. Allele origin: germline.
Comment: The c.2414delG (p.G805Afs*93) alteration, located in exon 11 (coding exon 11) of the PKD1 gene, consists of a deletion of one nucleotide at position 2414, causing a translational frameshift with a predicted alternate stop codon after 93 amino acids. This alteration is expected to result in loss of function by premature protein truncation or nonsense-mediated mRNA decay. This variant was not reported in population-based cohorts in the Genome Aggregation Database (gnomAD). Based on the available evidence, this alteration is classified as pathogenic.

NM_001009944.3(PKD1):c.2414del (p.Gly805fs)

Gene: PKD1 (polycystin 1, transient receptor potential channel interacting; minus strand). Cytogenetic location: 16p13.3.
Variant type: Deletion.
Coding change: c.2414del on transcript NM_001009944.3 (MANE Select); coding-DNA position 2414, one base deleted (G; older notation c.2414delG).
Protein change: p.Gly805fs; shifts the reading frame from glycine 805.
Molecular consequence: frameshift variant.
Genome position (GRCh38, 1-based): chr16:2,114,609, C deleted on the plus strand (G on the coding strand, the reverse complement: PKD1 is on the minus strand); the first of 2 consecutive C bases (chr16:2,114,609-2,114,610); deleting either gives the same sequence. VCF-style (leftmost placement, unchanged base first): chr16-2114608-GC-G. GRCh37 (hg19) VCF-style: chr16-2164609-GC-G.
Other names: c.2414del, p.Gly805fs (NM_000296.4); c.2414delG (NM_001009944.3); short protein forms G805fs.
Identifiers: ClinVar variation 2612189 (VCV002612189.3), dbSNP rs2544854273, ClinGen allele CA2582342639.
Genomic context (GRCh38, chr16:2,114,608, plus strand): 5'-CCGCAGCCCAGCCACTGGGGAGACCACGTCAAAGCTGCAGGAGAGGTTGTGCCTGGACAC[GC>G]CATTGCCCACCTCTGCCCGGACCTCATAGCGCCCAGGCAGCCGCAGTCCAGGGTTGGGCC-3'